The following is an entry in ClinVar:

NM_006231.4(POLE):c.233del (p.Arg77_Leu78insTer)

Gene: POLE (DNA polymerase epsilon, catalytic subunit; minus strand). Cytogenetic location: 12q24.33.
Variant type: Deletion.
Coding change: c.233del on transcript NM_006231.4 (MANE Select); coding-DNA position 233, one base deleted (T; older notation c.233delT).
Protein change: p.Arg77_Leu78insTer.
Molecular consequence: nonsense.
Genome position (GRCh38, 1-based): chr12:132,680,659, A deleted on the plus strand (T on the coding strand, the reverse complement: POLE is on the minus strand); the first of 2 consecutive A bases (chr12:132,680,659-132,680,660); deleting either gives the same sequence. VCF-style (leftmost placement, unchanged base first): chr12-132680658-TA-T. GRCh37 (hg19) VCF-style: chr12-133257244-TA-T.
Identifiers: ClinVar variation 4841503 (VCV004841503.1).

ClinVar aggregate classification (germline): Uncertain significance (1 of 4 stars; one submission).

Conditions:
Hereditary cancer-predisposing syndrome. Also called: Neoplastic Syndromes, Hereditary; Tumor predisposition; Hereditary Cancer Syndrome; Hereditary neoplastic syndrome. Identifiers: Orphanet 140162, MedGen C0027672, MeSH D009386, MONDO:0015356.

Submission:

Ambry Genetics
Classification: Uncertain significance for Hereditary cancer-predisposing syndrome. Last evaluated: 2026-01-02. Review status: criteria provided, single submitter. Criteria: Ambry Variant Classification Scheme 2023. Collection method: clinical testing. Allele origin: germline.
Comment: The c.233delT variant, located in coding exon 3 of the POLE gene, results from a deletion of one nucleotide at nucleotide position 233, causing a translational frameshift with a predicted alternate stop codon (p.L78*). This alteration is expected to result in loss of function by premature protein truncation or nonsense-mediated mRNA decay.Although biallelic loss of function of POLE has been associated with autosomal recessive POLE deficiency, haploinsufficiency of POLE has not been established as a mechanism of disease for POLE-related polymerase proofreading-associated polyposis (PPAP) and POLE-related CMMRD-like syndrome. Based on the supporting evidence, this variant is expected to be causative of POLE deficiency when present along with a second pathogenic variant on the other allele; however, its clinical significance for PPAP and POLE-related CMMRD-like syndrome is unclear.